The following is an entry in ClinVar:

NM_000039.3(APOA1):c.566C>G (p.Pro189Arg)

Gene: APOA1 (apolipoprotein A1; minus strand). Cytogenetic location: 11q23.3.
Variant type: single nucleotide variant.
Coding change: c.566C>G on transcript NM_000039.3 (MANE Select); coding-DNA position 566, C replaced by G.
Protein change: p.Pro189Arg; replaces proline 189 with arginine.
Molecular consequence: missense variant.
Genome position (GRCh38, 1-based): chr11:116,836,046, G>C on the plus strand (C>G on the coding strand, the complement: APOA1 is on the minus strand). VCF-style: chr11-116836046-G-C. GRCh37 (hg19) VCF-style: chr11-116706762-G-C.
Other names: P165R; c.566C>G, p.Pro189Arg (NM_001318017.2, NM_001318018.2); c.239C>G, p.Pro80Arg (NM_001318021.2); short protein forms P189R, P80R.
Identifiers: ClinVar variation 17916 (VCV000017916.4), dbSNP rs121912722, ClinGen allele CA127558.
Genomic context (GRCh38, chr11:116,836,046, plus strand): 5'-CCGTTCTCCTTGAGAGCCTCAAGGCGCGCGGCCAAGCGCTGGCGCAGCTCGTCGCTGTAG[G>C]GGGCCAGATGCGTGCGCAGCGCGTCCACATGGGCGCGCGCGCGGTCGCGCATCTCCTCGC-3'
Protein context (NP_000030.1, residues 179-199): HVDALRTHLA[Pro189Arg]YSDELRQRLA

ClinVar aggregate classification (germline): Uncertain significance. Review status: criteria provided, single submitter (1 of 4 stars). 2 submissions from 2 submitters: Uncertain significance (1). 1 of the submissions does not count toward it. Last evaluated 2024-07-19.

Conditions:
Apolipoprotein A-I deficiency. Identifiers: Orphanet 425, MedGen C0342898, MONDO:0700513, MONDO:0100189.

Allele frequency attached by ClinVar (database versions not stated): gnomAD exomes below 0.00001; gnomAD 0.00001; TOPMed 0.00001.

Submissions (2):

Labcorp Genetics (formerly Invitae), Labcorp
Classification: Uncertain significance. Last evaluated: 2024-07-19. Review status: criteria provided, single submitter. Criteria: Invitae Variant Classification Sherloc (09022015). Collection method: clinical testing. Allele origin: germline.
Comment: This sequence change replaces proline, which is neutral and non-polar, with arginine, which is basic and polar, at codon 189 of the APOA1 protein (p.Pro189Arg). This variant is present in population databases (rs121912722, gnomAD 0.0009%). This missense change has been observed in individual(s) with apolipoprotein A1 deficiency and/or low HDL-C (PMID: 2512329, 28870971). This variant is also known as Pro165Arg. ClinVar contains an entry for this variant (Variation ID: 17916). Advanced modeling of protein sequence and biophysical properties (such as structural, functional, and spatial information, amino acid conservation, physicochemical variation, residue mobility, and thermodynamic stability) performed at Invitae indicates that this missense variant is expected to disrupt APOA1 protein function with a positive predictive value of 80%. In summary, the available evidence is currently insufficient to determine the role of this variant in disease. Therefore, it has been classified as a Variant of Uncertain Significance.

OMIM
Classification: Pathogenic for APOLIPOPROTEIN A-I DEFICIENCY. Last evaluated: 1989-12-01. Review status: no assertion criteria provided. Collection method: literature only. Allele origin: germline. Not counted in ClinVar's aggregate classification.

Literature cited by the submitters: PubMed 2512329 (cited by Labcorp Genetics (formerly Invitae), Labcorp and OMIM); PubMed 28870971 (cited by Labcorp Genetics (formerly Invitae), Labcorp).